The following is an entry in ClinVar:

ClinVar aggregate classification (germline): Uncertain significance. Review status: criteria provided, multiple submitters, no conflicts (2 of 4 stars). 4 submissions from 4 submitters: Uncertain significance (4). Last evaluated 2025-04-20.

Conditions:
Inborn genetic diseases. Identifiers: MedGen C0950123, MeSH D030342.
Retinitis pigmentosa (RP). Identifiers: Orphanet 791, MedGen C0035334, MeSH D012174, MONDO:0019200, OMIM 268000. Inheritance: Autosomal dominant, autosomal recessive and X linked inheritance.

Allele frequency attached by ClinVar (database versions not stated): gnomAD exomes below 0.00001; TOPMed 0.00002.

Submissions (4):

Ambry Genetics
Classification: Uncertain significance for Inborn genetic diseases. Last evaluated: 2025-04-20. Review status: criteria provided, single submitter. Criteria: Ambry Variant Classification Scheme 2023. Collection method: clinical testing. Allele origin: germline.

Labcorp Genetics (formerly Invitae), Labcorp
Classification: Uncertain significance. Last evaluated: 2023-11-20. Review status: criteria provided, single submitter. Criteria: Invitae Variant Classification Sherloc (09022015). Collection method: clinical testing. Allele origin: germline.
Comment: This sequence change replaces arginine, which is basic and polar, with glycine, which is neutral and non-polar, at codon 721 of the TOPORS protein (p.Arg721Gly). This variant is not present in population databases (gnomAD no frequency). This variant has not been reported in the literature in individuals affected with TOPORS-related conditions. ClinVar contains an entry for this variant (Variation ID: 196419). Experimental studies and prediction algorithms are not available or were not evaluated, and the functional significance of this variant is currently unknown. In summary, the available evidence is currently insufficient to determine the role of this variant in disease. Therefore, it has been classified as a Variant of Uncertain Significance.

Illumina Laboratory Services, Illumina
Classification: Uncertain significance for Retinitis pigmentosa. Last evaluated: 2018-01-13. Review status: criteria provided, single submitter. Criteria: ICSL Variant Classification Criteria 13 December 2019. Collection method: clinical testing. Allele origin: germline.

Eurofins Ntd Llc (ga)
Classification: Uncertain significance. Last evaluated: 2014-06-27. Review status: criteria provided, single submitter. Criteria: EGL Classification Definitions 2015. Collection method: clinical testing. Allele origin: germline. Observed: 1 variant allele, 1 heterozygote.

NM_005802.5(TOPORS):c.2161A>G (p.Arg721Gly)

Gene: TOPORS (TOP1 binding arginine/serine rich protein, E3 ubiquitin ligase; minus strand). Cytogenetic location: 9p21.1.
Variant type: single nucleotide variant.
Coding change: c.2161A>G on transcript NM_005802.5 (MANE Select); coding-DNA position 2161, A replaced by G.
Protein change: p.Arg721Gly; replaces arginine 721 with glycine.
Molecular consequence: missense variant.
Genome position (GRCh38, 1-based): chr9:32,542,364, T>C on the plus strand (A>G on the coding strand, the complement: TOPORS is on the minus strand). VCF-style: chr9-32542364-T-C. GRCh37 (hg19) VCF-style: chr9-32542362-T-C.
Other names: c.1966A>G, p.Arg656Gly (NM_001195622.2); short protein forms R721G, R656G.
Identifiers: ClinVar variation 196419 (VCV000196419.13), dbSNP rs794727506, ClinGen allele CA243370.